The following is an entry in ClinVar:

ClinVar aggregate classification (germline): Uncertain significance. Review status: criteria provided, multiple submitters, no conflicts (2 of 4 stars). 2 submissions from 2 submitters: Uncertain significance (2). Last evaluated 2024-05-23.

Conditions:
Cardiovascular phenotype. Identifiers: MedGen CN230736.

Allele frequency attached by ClinVar (database versions not stated): gnomAD exomes below 0.00001; gnomAD 0.00001; TOPMed 0.00001; ExAC 0.00002.
gnomAD v4.1: 8 of 1,613,902 alleles (0.0005%); highest among the groups gnomAD compares: Admixed American, 0.005%; no homozygotes.

Submissions (2):

GeneDx
Classification: Uncertain significance. Last evaluated: 2024-05-23. Review status: criteria provided, single submitter. Criteria: GeneDx Variant Classification Process June 2021. Collection method: clinical testing. Allele origin: germline. Affected: yes.
Comment: In silico analysis supports that this missense variant has a deleterious effect on protein structure/function; Has not been previously published as pathogenic or benign to our knowledge

Ambry Genetics
Classification: Uncertain significance for Cardiovascular phenotype. Last evaluated: 2023-03-29. Review status: criteria provided, single submitter. Criteria: Ambry Variant Classification Scheme 2023. Collection method: clinical testing. Allele origin: germline.

NM_017636.4(TRPM4):c.344C>T (p.Pro115Leu)

Gene: TRPM4 (transient receptor potential cation channel subfamily M member 4; plus strand). Cytogenetic location: 19q13.33.
Variant type: single nucleotide variant.
Coding change: c.344C>T on transcript NM_017636.4 (MANE Select); coding-DNA position 344, C replaced by T.
Protein change: p.Pro115Leu; replaces proline 115 with leucine.
Molecular consequence: missense variant. On other transcripts: intron variant (4).
Genome position (GRCh38, 1-based): chr19:49,167,993, C>T. VCF-style: chr19-49167993-C-T. GRCh37 (hg19) VCF-style: chr19-49671250-C-T.
Other names: c.344C>T, p.Pro115Leu (NM_001195227.2); c.-1105-267C>T (NM_001321282.2); c.268-560C>T (NM_001321281.2); c.-74-267C>T (NM_001321283.2); c.-237-560C>T (NM_001321285.2); short protein forms P115L.
Identifiers: ClinVar variation 2530993 (VCV002530993.3), dbSNP rs765605358, ClinGen allele CA9568790.